The following is an entry in ClinVar:

ClinVar aggregate classification (germline): Uncertain significance (1 of 4 stars; one submission).

Conditions:
MEGF10-related myopathy (CMYO10A). Also called: Congenital myopathy 10A, severe variant. Identifiers: Orphanet 439212, MedGen C3280679, MONDO:0013731, OMIM 614399.

Submission:

Labcorp Genetics (formerly Invitae), Labcorp
Classification: Uncertain significance for MEGF10-related myopathy. Last evaluated: 2026-01-19. Review status: criteria provided, single submitter. Criteria: Invitae Variant Classification Sherloc (09022015). Collection method: clinical testing. Allele origin: germline.
Comment: This sequence change replaces phenylalanine, which is neutral and non-polar, with valine, which is neutral and non-polar, at codon 434 of the MEGF10 protein (p.Phe434Val). This variant is not present in population databases (gnomAD no frequency). This variant has not been reported in the literature in individuals affected with MEGF10-related conditions. ClinVar contains an entry for this variant (Variation ID: 1020044). Invitae Evidence Modeling of protein sequence and biophysical properties (such as structural, functional, and spatial information, amino acid conservation, physicochemical variation, residue mobility, and thermodynamic stability) indicates that this missense variant is not expected to disrupt MEGF10 protein function with a negative predictive value of 80%. In summary, the available evidence is currently insufficient to determine the role of this variant in disease. Therefore, it has been classified as a Variant of Uncertain Significance.

NM_001256545.2(MEGF10):c.1300T>G (p.Phe434Val)

Gene: MEGF10 (multiple EGF like domains 10; plus strand). Cytogenetic location: 5q23.2.
Variant type: single nucleotide variant.
Coding change: c.1300T>G on transcript NM_001256545.2 (MANE Select); coding-DNA position 1300, T replaced by G.
Protein change: p.Phe434Val; replaces phenylalanine 434 with valine.
Molecular consequence: missense variant.
Genome position (GRCh38, 1-based): chr5:127,417,807, T>G. VCF-style: chr5-127417807-T-G. GRCh37 (hg19) VCF-style: chr5-126753499-T-G.
Other names: c.1300T>G, p.Phe434Val (NM_001308119.2, NM_001308121.2, NM_032446.3); short protein forms F434V.
Identifiers: ClinVar variation 1020044 (VCV001020044.9), dbSNP rs1764833861, ClinGen allele CA360728811.
Genomic context (GRCh38, chr5:127,417,807, plus strand): 5'-AGCTGCCAAAATGGGGCAGACTGTGACAGTGTGACTGGAAAGTGCACCTGTGCCCCAGGA[T>G]TCAAAGTGAGTGACTAGGGCTCTGGAGGAAGGAGAAGAGGGGTGCAGTGTGAAGCATCTC-3'
Protein context (NP_001243474.1, residues 424-444): VTGKCTCAPG[Phe434Val]KGIDCSTPCP